The following is an entry in ClinVar:

ClinVar aggregate classification (germline): Likely pathogenic (1 of 4 stars; one submission).

Conditions:
Retinitis pigmentosa 59 (RP59). Identifiers: Orphanet 791, MedGen C3151227, MONDO:0013468, OMIM 613861.

Submission:

Labcorp Genetics (formerly Invitae), Labcorp
Classification: Likely pathogenic for Retinitis pigmentosa 59. Last evaluated: 2025-06-15. Review status: criteria provided, single submitter. Criteria: Invitae Variant Classification Sherloc (09022015). Collection method: clinical testing. Allele origin: germline.
Comment: This variant results in the deletion of part of exon 7 (c.650_657+54del) of the DHDDS gene. It is expected to disrupt RNA splicing. Variants that disrupt the donor or acceptor splice site typically lead to a loss of protein function (PMID: 16199547), and loss-of-function variants in DHDDS are known to be pathogenic (PMID: 24664742). This variant is not present in population databases (gnomAD no frequency). This variant has not been reported in the literature in individuals affected with DHDDS-related conditions. ClinVar contains an entry for this variant (Variation ID: 1971743). In summary, the currently available evidence indicates that the variant is pathogenic, but additional data are needed to prove that conclusively. Therefore, this variant has been classified as Likely Pathogenic.

Literature cited by the submitters: PubMed 16199547; PubMed 24664742.

NM_205861.3(DHDDS):c.650_657+54del

Gene: DHDDS (dehydrodolichyl diphosphate synthase subunit; plus strand). Cytogenetic location: 1p36.11.
Variant type: Deletion.
Coding change: c.650_657+54del on transcript NM_205861.3 (MANE Select); coding-DNA position 650 through 54 bases into the intron after coding-DNA position 657, 62 bases deleted.
Molecular consequence: splice donor variant.
Genome position (GRCh38, 1-based): chr1:26,457,898-26,457,959, 62 bases deleted. GRCh37 (hg19): chr1:26,784,389-26,784,450.
Other names: c.371_378+54del (NM_001319959.2); c.650_657+54del (NM_024887.4); c.548_555+54del (NM_001243564.2); c.533_540+54del (NM_001243565.2).
Identifiers: ClinVar variation 1971743 (VCV001971743.5), dbSNP rs2524687386, ClinGen allele CA2580062623.